The following is an entry in ClinVar:

NM_001903.5(CTNNA1):c.2512G>A (p.Val838Ile)

Gene: CTNNA1 (catenin alpha 1; plus strand). Cytogenetic location: 5q31.2.
Variant type: single nucleotide variant.
Coding change: c.2512G>A on transcript NM_001903.5 (MANE Select); coding-DNA position 2512, G replaced by A.
Protein change: p.Val838Ile; replaces valine 838 with isoleucine.
Molecular consequence: missense variant. On other transcripts: 3 prime UTR variant (5).
Genome position (GRCh38, 1-based): chr5:138,933,880, G>A. VCF-style: chr5-138933880-G-A. GRCh37 (hg19) VCF-style: chr5-138269569-G-A.
Other names: p.Val838Ile; c.*57G>A (NM_001290307.3, NM_001324002.1, NM_001324003.1 and 2 more transcripts); c.2203G>A, p.Val735Ile (NM_001290309.3); c.2143G>A, p.Val715Ile (NM_001290310.3); c.1402G>A, p.Val468Ile (NM_001290312.1, NM_001323987.1, NM_001323988.1 and 12 more transcripts); c.2512G>A, p.Val838Ile (NM_001323982.2, NM_001323983.1, NM_001323984.2); c.2485G>A, p.Val829Ile (NM_001323985.2); c.2419G>A, p.Val807Ile (NM_001323986.2); and 4 more; short protein forms V715I, V807I, V423I, V829I, V838I, V387I, V437I, V468I.
Identifiers: ClinVar variation 649148 (VCV000649148.18), dbSNP rs1054245968, ClinGen allele CA128225466.

ClinVar aggregate classification (germline): Uncertain significance. Review status: criteria provided, multiple submitters, no conflicts (2 of 4 stars). 6 submissions from 6 submitters: Uncertain significance (6). Last evaluated 2025-09-24.

Conditions:
Patterned macular dystrophy 2. Identifiers: Orphanet 99001, MedGen C1837029, MONDO:0012162, OMIM 608970.
Hereditary cancer-predisposing syndrome. Also called: Hereditary neoplastic syndrome; Hereditary Cancer Syndrome; Tumor predisposition; Neoplastic Syndromes, Hereditary. Identifiers: Orphanet 140162, MedGen C0027672, MeSH D009386, MONDO:0015356.

Allele frequency attached by ClinVar (database versions not stated): gnomAD exomes below 0.00001 and 0.00001; TOPMed below 0.00001.
gnomAD v4.1: 9 of 1,614,150 alleles (0.00056%); highest among the groups gnomAD compares: Admixed American, 0.0017%; no homozygotes.

Submissions (6):

Labcorp Genetics (formerly Invitae), Labcorp
Classification: Uncertain significance. Last evaluated: 2025-09-24. Review status: criteria provided, single submitter. Criteria: Invitae Variant Classification Sherloc (09022015). Collection method: clinical testing. Allele origin: germline.
Comment: This sequence change replaces valine, which is neutral and non-polar, with isoleucine, which is neutral and non-polar, at codon 838 of the CTNNA1 protein (p.Val838Ile). This variant is present in population databases (no rsID available, gnomAD 0.003%). This missense change has been observed in individual(s) with breast and/or gastric cancer (PMID: 32051609). ClinVar contains an entry for this variant (Variation ID: 649148). An algorithm developed to predict the effect of missense changes on protein structure and function (PolyPhen-2) suggests that this variant is likely to be tolerated. In summary, the available evidence is currently insufficient to determine the role of this variant in disease. Therefore, it has been classified as a Variant of Uncertain Significance.

GeneDx
Classification: Uncertain significance. Last evaluated: 2025-08-11. Review status: criteria provided, single submitter. Criteria: GeneDx Variant Classification Process June 2021. Collection method: clinical testing. Allele origin: germline. Affected: yes.
Comment: Not observed at significant frequency in large population cohorts (gnomAD); In silico analysis suggests that this missense variant does not alter protein structure/function; This variant is associated with the following publications: (PMID: 32051609, 34326862)

Ambry Genetics
Classification: Uncertain significance for Hereditary cancer-predisposing syndrome. Last evaluated: 2024-09-23. Review status: criteria provided, single submitter. Criteria: Ambry Variant Classification Scheme 2023. Collection method: clinical testing. Allele origin: germline.
Comment: The p.V838I variant (also known as c.2512G>A), located in coding exon 17 of the CTNNA1 gene, results from a G to A substitution at nucleotide position 2512. The valine at codon 838 is replaced by isoleucine, an amino acid with highly similar properties. This amino acid position is highly conserved in available vertebrate species. In addition, this alteration is predicted to be tolerated by in silico analysis. The evidence for this gene-disease relationship is limited; therefore, the clinical significance of this alteration is unclear.

Blueprint Genetics
Classification: Uncertain significance. Last evaluated: 2024-08-06. Review status: criteria provided, single submitter. Criteria: ACMG Guidelines, 2015. Collection method: clinical testing. Allele origin: germline.

Mayo Clinic Laboratories, Mayo Clinic
Classification: Uncertain significance. Last evaluated: 2024-01-04. Review status: criteria provided, single submitter. Criteria: ACMG Guidelines, 2015. Collection method: clinical testing. Allele origin: germline. Observed: 1 variant allele.
Comment: BP4, PP2, PM2_moderate

Baylor Genetics
Classification: Uncertain significance for Patterned macular dystrophy 2. Last evaluated: 2023-10-11. Review status: criteria provided, single submitter. Criteria: ACMG Guidelines, 2015. Collection method: clinical testing. Allele origin: unknown.

Literature cited by the submitters: PubMed 32051609 (cited by Labcorp Genetics (formerly Invitae), Labcorp).